The following is an entry in ClinVar:

NM_001318895.3(FHL2):c.85G>A (p.Val29Met)

Gene: FHL2 (four and a half LIM domains 2; minus strand). Cytogenetic location: 2q12.2.
Variant type: single nucleotide variant.
Coding change: c.85G>A on transcript NM_001318895.3 (MANE Select); coding-DNA position 85, G replaced by A.
Protein change: p.Val29Met; replaces valine 29 with methionine.
Molecular consequence: missense variant. On other transcripts: 5 prime UTR variant (3).
Genome position (GRCh38, 1-based): chr2:105,386,432, C>T on the plus strand (G>A on the coding strand, the complement: FHL2 is on the minus strand). VCF-style: chr2-105386432-C-T. GRCh37 (hg19) VCF-style: chr2-106002889-C-T.
Other names: c.85G>A, p.Val29Met (NM_001039492.3, NM_001318894.1, NM_001318896.2 and 4 more transcripts); c.-83G>A (NM_001318897.2, NM_001318898.2); c.-362G>A (NM_001318899.2); short protein forms V29M.
Identifiers: ClinVar variation 48333 (VCV000048333.22), dbSNP rs56284940, ClinGen allele CA143199.

ClinVar aggregate classification (germline): Benign/Likely benign. Review status: criteria provided, multiple submitters, no conflicts (2 of 4 stars). 4 submissions from 4 submitters: Benign (1); Likely benign (2). 1 of the submissions does not count toward it. Last evaluated 2026-01-10.

Conditions:
FHL2-related disorder. Also called: FHL2-related condition.
Cardiomyopathy (CMYO). Also called: Cardiomyopathies. Identifiers: Orphanet 167848, MedGen C0878544, MONDO:0004994, HP:0001638. Inheritance: Various modes of inheritance.
Primary dilated cardiomyopathy (DCM). Also called: Dilated Cardiomyopathy. Identifiers: Orphanet 217604, MedGen C0007193, MeSH D002311, MONDO:0005021, HP:0001644. Inheritance: Various modes of inheritance.

Allele frequency attached by ClinVar (database versions not stated): 1000 Genomes Project 30x 0.00078; 1000 Genomes Project 0.00080; gnomAD 0.00093 and 0.00100; TOPMed 0.00093; ExAC 0.00108; gnomAD exomes 0.00109 and 0.00154; ESP Exome Variant Server 0.00146.
gnomAD v4.1: 2,401 of 1,614,228 alleles (0.15%); highest among the groups gnomAD compares: South Asian, 0.26%; 6 homozygotes.

Submissions (4):

Labcorp Genetics (formerly Invitae), Labcorp
Classification: Likely benign for Primary dilated cardiomyopathy. Last evaluated: 2026-01-10. Review status: criteria provided, single submitter. Criteria: Invitae Variant Classification Sherloc (09022015). Collection method: clinical testing. Allele origin: germline.

Laboratory for Molecular Medicine, Mass General Brigham Personalized Medicine
Classification: Likely benign. Last evaluated: 2024-02-06. Review status: criteria provided, single submitter. Criteria: ACMG Guidelines, 2015. Collection method: clinical testing. Allele origin: germline.
Comment: proposed classification - variant undergoing re-assessment, contact laboratory

CHEO Genetics Diagnostic Laboratory, Children's Hospital of Eastern Ontario
Classification: Benign for Cardiomyopathy. Last evaluated: 2019-02-12. Review status: criteria provided, single submitter. Criteria: ACMG Guidelines, 2015. Collection method: clinical testing. Allele origin: germline.

PreventionGenetics, part of Exact Sciences
Classification: Likely benign for FHL2-related condition. Last evaluated: 2021-06-29. Review status: no assertion criteria provided. Collection method: clinical testing. Allele origin: germline. Not counted in ClinVar's aggregate classification.
Comment: This variant is classified as likely benign based on ACMG/AMP sequence variant interpretation guidelines (Richards et al. 2015 PMID: 25741868, with internal and published modifications).